The following is an entry in ClinVar:

ClinVar aggregate classification (germline): Uncertain significance (1 of 4 stars; one submission).

Conditions:
Hereditary cancer-predisposing syndrome. Also called: Hereditary neoplastic syndrome; Hereditary Cancer Syndrome; Neoplastic Syndromes, Hereditary; Tumor predisposition. Identifiers: Orphanet 140162, MedGen C0027672, MeSH D009386, MONDO:0015356.

Submission:

Ambry Genetics
Classification: Uncertain significance for Hereditary cancer-predisposing syndrome. Last evaluated: 2023-05-16. Review status: criteria provided, single submitter. Criteria: Ambry Variant Classification Scheme 2023. Collection method: clinical testing. Allele origin: germline.
Comment: The c.4002-21_4034del54 variant spans the boundary of coding exon 10 and intron 9 in the MSH6 gene. This alteration results from a deletion of 54 nucleotides at positions c.4002-21 to c.4034, which deletes the canonical splice acceptor site. This alteration occurs at the 3' terminus of the MSH6 gene, is not expected to trigger nonsense-mediated mRNA decay, and only impacts the last 27 amino acids of the protein. The exact functional effect of this alteration is unknown. This nucleotide position is well conserved in available vertebrate species. In silico splice site analysis predicts that this alteration will weaken the native splice acceptor site; however, direct evidence is insufficient at this time (Ambry internal data). Since supporting evidence is limited at this time, the clinical significance of this alteration remains unclear.

NM_000179.3(MSH6):c.4002-21_4034del

Gene: MSH6 (mutS homolog 6; plus strand). Cytogenetic location: 2p16.3.
Variant type: Deletion.
Coding change: c.4002-21_4034del on transcript NM_000179.3 (MANE Select); 21 bases into the intron before coding-DNA position 4002 through coding-DNA position 4034, 54 bases deleted.
Molecular consequence: splice acceptor variant.
Genome position (GRCh38, 1-based): chr2:47,806,758-47,806,811, 54 bases deleted. GRCh37 (hg19): chr2:48,033,897-48,033,950.
Other names: c.4002-21_4034del (NM_001406809.1, NM_001406796.1); c.3096-21_3128del (NM_001406811.1, NM_001406814.1, NM_001281493.2 and 6 more transcripts); c.3705-21_3737del (NM_001406805.1, NM_001406797.1, NM_001406818.1 and 8 more transcripts); c.4098-21_4130del (NM_001406795.1); c.3898-21_*15del (NM_001406802.1); c.4008-21_4040del (NM_001406813.1); c.3477-21_3509del (NM_001406807.1, NM_001406799.1, NM_001406806.1); c.4002-26_*15del (NM_001406808.1); and 11 more.
Identifiers: ClinVar variation 2567472 (VCV002567472.2), dbSNP rs2530888316, ClinGen allele CA2580611344.